The following is an entry in ClinVar:

NM_004937.3(CTNS):c.635C>T (p.Ala212Val)

Genes: CTNS (cystinosin, lysosomal cystine transporter; plus strand), CTNS-AS1 (CTNS antisense RNA 1; minus strand). Cytogenetic location: 17p13.2.
Variant type: single nucleotide variant.
Coding change: c.635C>T on transcript NM_004937.3 (MANE Select); coding-DNA position 635, C replaced by T.
Protein change: p.Ala212Val; replaces alanine 212 with valine.
Molecular consequence: missense variant.
Genome position (GRCh38, 1-based): chr17:3,656,749, C>T. VCF-style: chr17-3656749-C-T. GRCh37 (hg19) VCF-style: chr17-3560043-C-T.
Other names: c.194C>T, p.Ala65Val (NM_001374493.1, NM_001374494.1, NM_001374495.1 and 1 more transcripts); c.635C>T, p.Ala212Val (NM_001031681.3, NM_001374492.1); short protein forms A212V, A65V.
Identifiers: ClinVar variation 1020638 (VCV001020638.14), dbSNP rs776658046, ClinGen allele CA8291805.

ClinVar aggregate classification (germline): Conflicting classifications of pathogenicity. Review status: criteria provided, conflicting classifications (1 of 4 stars). 4 submissions from 4 submitters: Pathogenic (1); Likely pathogenic (1); Uncertain significance (1). 1 of the submissions does not count toward it. Last evaluated 2026-02-01.

Conditions:
Cystinosis. Also called: Cystine diathesis; Cystine storage disease; Cystinoses. Identifiers: Orphanet 213, MedGen C4316899, MONDO:0016239.
Ocular cystinosis. Also called: Non-Nephropathic Cystinosis; Non-Nephropathic (Ocular) Cystinosis. Identifiers: Orphanet 213, Orphanet 411641, MedGen C2931013, MONDO:0009064, OMIM 219750.
Juvenile nephropathic cystinosis. Also called: Intermediate Cystinosis; CYSTINOSIS, LATE-ONSET JUVENILE OR ADOLESCENT NEPHROPATHIC TYPE; Later-Onset (Juvenile) Cystinosis. Identifiers: Orphanet 213, Orphanet 411634, MedGen C0268626, MONDO:0009066, OMIM 219900.
Nephropathic cystinosis (CTNS). Also called: Abderhalden Lignac Kaufmann disease; Abderhalden-Kaufmann-Lignac syndrome; CYSTINOSIN, DEFECT OF; LYSOSOMAL CYSTINE TRANSPORT PROTEIN, DEFECT OF. Identifiers: Orphanet 213, Orphanet 411629, MedGen C2931187, MONDO:0100151, OMIM 219800.
Inborn genetic diseases. Identifiers: MedGen C0950123, MeSH D030342.

Allele frequency attached by ClinVar (database versions not stated): TOPMed 0.00004; gnomAD 0.00004.
gnomAD v4.1: 26 of 1,613,396 alleles (0.0016%); highest among the groups gnomAD compares: Admixed American, 0.0033%; no homozygotes.

Submissions (4):

Labcorp Genetics (formerly Invitae), Labcorp
Classification: Pathogenic for Inborn genetic diseases; Ocular cystinosis; Juvenile nephropathic cystinosis. Last evaluated: 2026-02-01. Review status: criteria provided, single submitter. Criteria: Invitae Variant Classification Sherloc (09022015). Collection method: clinical testing. Allele origin: germline.
Comment: This sequence change replaces alanine, which is neutral and non-polar, with valine, which is neutral and non-polar, at codon 212 of the CTNS protein (p.Ala212Val). This variant is present in population databases (rs776658046, gnomAD 0.006%). This missense change has been observed in individual(s) with cystinosis (PMID: 30957593). In at least one individual the data is consistent with being in trans (on the opposite chromosome) from a pathogenic variant. ClinVar contains an entry for this variant (Variation ID: 1020638). Invitae Evidence Modeling of protein sequence and biophysical properties (such as structural, functional, and spatial information, amino acid conservation, physicochemical variation, residue mobility, and thermodynamic stability) has been performed for this missense variant. However, the output from this modeling did not meet the statistical confidence thresholds required to predict the impact of this variant on CTNS protein function. This variant disrupts the p.Ala212 amino acid residue in CTNS. Other variant(s) that disrupt this residue have been determined to be pathogenic (internal data). This suggests that this residue is clinically significant, and that variants that disrupt this residue are likely to be disease-causing. For these reasons, this variant has been classified as Pathogenic.

Myriad Genetics, Inc.
Classification: Uncertain significance for Cystinosis. Last evaluated: 2025-11-26. Review status: criteria provided, single submitter. Criteria: Myriad Autosomal Dominant, Autosomal Recessive and X-Linked Classification Criteria (2023). Collection method: clinical testing. Allele origin: unknown.
Comment: NM_004937.2(CTNS):c.635C>T(A212V) is a missense variant classified as a variant of uncertain significance in the context of cystinosis. A212V has been observed in a case with relevant disease (PMID: 30957593). Relevant functional assessments of this variant are not available in the literature. A212V has been observed in referenced population frequency databases. In summary, there is insufficient evidence to classify NM_004937.2(CTNS):c.635C>T(A212V) as pathogenic or benign. Please note: this variant was assessed in the context of healthy population screening.

Fulgent Genetics
Classification: Likely pathogenic for Ocular cystinosis; Nephropathic cystinosis; Juvenile nephropathic cystinosis. Last evaluated: 2024-03-15. Review status: criteria provided, single submitter. Criteria: ACMG Guidelines, 2015. Collection method: clinical testing. Allele origin: germline.

Natera, Inc.
Classification: Uncertain significance for Cystinosis. Last evaluated: 2020-09-22. Review status: no assertion criteria provided. Collection method: clinical testing. Allele origin: germline. Not counted in ClinVar's aggregate classification.

Literature cited by the submitters: PubMed 30957593 (cited by Labcorp Genetics (formerly Invitae), Labcorp and Myriad Genetics, Inc.).